The following is an entry in ClinVar:

NM_005859.5(PURA):c.153del (p.Leu54fs)

Gene: PURA (purine rich element binding protein A; plus strand). Cytogenetic location: 5q31.3.
Variant type: Deletion.
Coding change: c.153del on transcript NM_005859.5 (MANE Select); coding-DNA position 153, one base deleted (A; older notation c.153delA).
Protein change: p.Leu54fs; shifts the reading frame from leucine 54.
Molecular consequence: frameshift variant.
Genome position (GRCh38, 1-based): chr5:140,114,334, A deleted. VCF-style (leftmost placement, unchanged base first): chr5-140114333-CA-C. GRCh37 (hg19) VCF-style: chr5-139493918-CA-C.
Other names: short protein forms L54fs.
Identifiers: ClinVar variation 522145 (VCV000522145.9), dbSNP rs1554129039, ClinGen allele CA658796651.

ClinVar aggregate classification (germline): Pathogenic. Review status: criteria provided, multiple submitters, no conflicts (2 of 4 stars). 2 submissions from 2 submitters: Pathogenic (2). Last evaluated 2025-07-17.

Conditions:
Inborn genetic diseases. Identifiers: MedGen C0950123, MeSH D030342.
PURA-related severe neonatal hypotonia-seizures-encephalopathy syndrome (NEDRIHF). Also called: PURA-Related Neurodevelopmental Disorders; NEURODEVELOPMENTAL DISORDER WITH NEONATAL RESPIRATORY INSUFFICIENCY, HYPOTONIA, AND FEEDING DIFFICULTIES. Identifiers: Orphanet 438213, Orphanet 438216, MedGen C4015357, MONDO:1060108, OMIM 616158, MONDO:0018580.

Submissions (2):

3billion
Classification: Pathogenic for PURA-related severe neonatal hypotonia-seizures-encephalopathy syndrome. Last evaluated: 2025-07-17. Review status: criteria provided, single submitter. Criteria: ACMG Guidelines, 2015. Collection method: clinical testing. Allele origin: germline. Affected: yes.
Comment: The variant is not observed in the gnomAD v4.1.0 dataset. Predicted Consequence/Location: Frameshift: predicted to result in a loss or disruption of normal protein function through protein truncation. Multiple pathogenic variants are reported in the predicted truncated region. The variant has been previously reported as de novo in a similarly affected individual (PMID: 29097605). The variant has been reported to be associated with PURA-related disorder (ClinVar ID: VCV000522145 /PMID: 29097605). Therefore, this variant is classified as Pathogenic according to the recommendation of ACMG/AMP guideline.

Ambry Genetics
Classification: Pathogenic for Inborn genetic diseases. Last evaluated: 2024-09-13. Review status: criteria provided, single submitter. Criteria: Ambry Variant Classification Scheme 2023. Collection method: clinical testing. Allele origin: germline.
Comment: The c.153delA (p.L54Cfs*24) alteration, located in coding exon 1 of the PURA gene, consists of a deletion of one nucleotide at position 153, causing a translational frameshift with a predicted alternate stop codon after 24 amino acids. Frameshifts are typically deleterious in nature; however, because PURA is a single-exon gene this alteration is not expected to trigger nonsense-mediated mRNA decay and a truncated protein could still be expressed (Maquat, 2004). This alteration removes the last 83.5% of the protein. The exact functional impact of these amino acids is unknown at this time; however, a significant portion of the protein is affected (Ambry internal data). This variant was not reported in population-based cohorts in the Genome Aggregation Database (gnomAD). This variant has been reported in multiple individuals with features consistent with PURA-related neurodevelopmental disorder (Nogueira, 2022; Reijnders, 2018). Based on the available evidence, this alteration is classified as pathogenic.

Literature cited by the submitters: PubMed 29097605 (cited by 3billion and Ambry Genetics); PubMed 35211951 (cited by Ambry Genetics).